The following is an entry in ClinVar:

NM_001457.4(FLNB):c.1884G>C (p.Lys628Asn)

Gene: FLNB (filamin B; plus strand). Cytogenetic location: 3p14.3.
Variant type: single nucleotide variant.
Coding change: c.1884G>C on transcript NM_001457.4 (MANE Select); coding-DNA position 1884, G replaced by C.
Protein change: p.Lys628Asn; replaces lysine 628 with asparagine.
Molecular consequence: missense variant.
Genome position (GRCh38, 1-based): chr3:58,106,816, G>C. VCF-style: chr3-58106816-G-C. GRCh37 (hg19) VCF-style: chr3-58092543-G-C.
Other names: c.1884G>C (NM_001457.3); c.1884G>C, p.Lys628Asn (NM_001164317.2, NM_001164318.2, NM_001164319.2); short protein forms K628N.
Identifiers: ClinVar variation 1717704 (VCV001717704.6), dbSNP rs2097260493, ClinGen allele CA353340748.
Genomic context (GRCh38, chr3:58,106,816, plus strand): 5'-CTGGCCCAAGGAGCCTGGCGAATATGCTGTTCACATCATGTGTGACGACGAAGACATCAA[G>C]GACAGCCCGTACATGGCCTTCATCCACCCAGCCACGGGAGGCTACAACCCTGATCTGGTG-3'
Protein context (NP_001448.2, residues 618-638): VHIMCDDEDI[Lys628Asn]DSPYMAFIHP

ClinVar aggregate classification (germline): Uncertain significance. Review status: criteria provided, multiple submitters, no conflicts (2 of 4 stars). 2 submissions from 2 submitters: Uncertain significance (2). Last evaluated 2025-06-01.

Conditions:
Inborn genetic diseases. Identifiers: MedGen C0950123, MeSH D030342.

gnomAD v4.1: 19 of 1,614,122 alleles (0.0012%); highest among the groups gnomAD compares: Non-Finnish European, 0.0015%; no homozygotes.

Submissions (2):

Labcorp Genetics (formerly Invitae), Labcorp
Classification: Uncertain significance. Last evaluated: 2025-06-01. Review status: criteria provided, single submitter. Criteria: Invitae Variant Classification Sherloc (09022015). Collection method: clinical testing. Allele origin: germline.
Comment: This sequence change replaces lysine, which is basic and polar, with asparagine, which is neutral and polar, at codon 628 of the FLNB protein (p.Lys628Asn). This variant is not present in population databases (gnomAD no frequency). This variant has not been reported in the literature in individuals affected with FLNB-related conditions. ClinVar contains an entry for this variant (Variation ID: 1717704). Invitae Evidence Modeling of protein sequence and biophysical properties (such as structural, functional, and spatial information, amino acid conservation, physicochemical variation, residue mobility, and thermodynamic stability) indicates that this missense variant is not expected to disrupt FLNB protein function with a negative predictive value of 95%. In summary, the available evidence is currently insufficient to determine the role of this variant in disease. Therefore, it has been classified as a Variant of Uncertain Significance.

Ambry Genetics
Classification: Uncertain significance for Inborn genetic diseases. Last evaluated: 2024-09-11. Review status: criteria provided, single submitter. Criteria: Ambry Variant Classification Scheme 2023. Collection method: clinical testing. Allele origin: germline.